The following is an entry in ClinVar:

ClinVar aggregate classification (germline): Uncertain significance (1 of 4 stars; one submission).

Submission:

Quest Diagnostics Nichols Institute San Juan Capistrano
Classification: Uncertain significance. Last evaluated: 2024-06-24. Review status: criteria provided, single submitter. Criteria: Quest Diagnostics criteria. Collection method: clinical testing. Allele origin: unknown.
Comment: The BARD1 c.2207_2208insG (p.Tyr736*) variant alters the translational reading frame of the BARD1 mRNA and is predicted to cause the premature termination of BARD1 protein synthesis. However, further research is needed in order to determine the effect on BARD1 protein function. This variant has not been reported in individuals with BARD1-related conditions in the published literature. This variant has not been reported in large, multi-ethnic general populations (Genome Aggregation Database). Based on the available information, we are unable to determine the clinical significance of this variant.

NM_000465.4(BARD1):c.2207_2208insG (p.Tyr736Ter)

Gene: BARD1 (BRCA1 associated RING domain 1; minus strand). Cytogenetic location: 2q35.
Variant type: Insertion.
Coding change: c.2207_2208insG on transcript NM_000465.4 (MANE Select); coding-DNA positions 2207 to 2208, G inserted.
Protein change: p.Tyr736Ter; replaces tyrosine 736 with a stop codon.
Molecular consequence: nonsense. On other transcripts: non-coding transcript variant (3).
Genome position: GRCh38 VCF-style: chr2-214728802-A-AC. GRCh37 (hg19) VCF-style: chr2-215593526-A-AC.
Other names: c.2150_2151insG, p.Tyr717Ter (NM_001282543.2); c.854_855insG, p.Tyr285Ter (NM_001282545.2); c.797_798insG, p.Tyr266Ter (NM_001282548.2); c.668_669insG, p.Tyr223Ter (NM_001282549.2); short protein forms Y285*, Y223*, Y736*, Y266*, Y717*.
Identifiers: ClinVar variation 3572095 (VCV003572095.1).
Genomic context (GRCh38, chr2:214,728,802, plus strand): 5'-CCAGACTTTGCCCTGCCGAACCCTCTCTGGGTGATAATTACACAAATCTTCATAGATGAT[A>AC]TACTGTGTGCAGAAGCGCTGATCAGAATCGGGTCTCGCATGGTATGCGACTGTATTGATG-3'